The following is an entry in ClinVar:

ClinVar aggregate classification (germline): Uncertain significance (1 of 4 stars; one submission).

Conditions:
Hereditary spastic paraplegia 74. Also called: Spastic paraplegia 74, autosomal recessive. Identifiers: Orphanet 468661, MedGen C5568837, MONDO:0014644, OMIM 616451.
Multiple mitochondrial dysfunctions syndrome 3 (MMDS3). Identifiers: Orphanet 363424, MedGen C3809165, MONDO:0014132, OMIM 615330.

Submission:

Labcorp Genetics (formerly Invitae), Labcorp
Classification: Uncertain significance for Multiple mitochondrial dysfunctions syndrome 3; Hereditary spastic paraplegia 74. Last evaluated: 2024-11-18. Review status: criteria provided, single submitter. Criteria: Invitae Variant Classification Sherloc (09022015). Collection method: clinical testing. Allele origin: germline.
Comment: This sequence change replaces leucine, which is neutral and non-polar, with valine, which is neutral and non-polar, at codon 58 of the IBA57 protein (p.Leu58Val). This variant is not present in population databases (gnomAD no frequency). This variant has not been reported in the literature in individuals affected with IBA57-related conditions. ClinVar contains an entry for this variant (Variation ID: 2128574). Invitae Evidence Modeling of protein sequence and biophysical properties (such as structural, functional, and spatial information, amino acid conservation, physicochemical variation, residue mobility, and thermodynamic stability) indicates that this missense variant is not expected to disrupt IBA57 protein function with a negative predictive value of 80%. In summary, the available evidence is currently insufficient to determine the role of this variant in disease. Therefore, it has been classified as a Variant of Uncertain Significance.

NM_001010867.4(IBA57):c.172C>G (p.Leu58Val)

Gene: IBA57 (iron-sulfur cluster assembly factor IBA57; plus strand). Cytogenetic location: 1q42.13.
Variant type: single nucleotide variant.
Coding change: c.172C>G on transcript NM_001010867.4 (MANE Select); coding-DNA position 172, C replaced by G.
Protein change: p.Leu58Val; replaces leucine 58 with valine.
Molecular consequence: missense variant.
Genome position (GRCh38, 1-based): chr1:228,165,988, C>G. VCF-style: chr1-228165988-C-G. GRCh37 (hg19) VCF-style: chr1-228353689-C-G.
Other names: short protein forms L58V.
Identifiers: ClinVar variation 2128574 (VCV002128574.4), dbSNP rs955717600, ClinGen allele CA345105289.